The following is an entry in ClinVar:

ClinVar aggregate classification (germline): Likely benign. Review status: criteria provided, multiple submitters, no conflicts (2 of 4 stars). 2 submissions from 2 submitters: Likely benign (2). Last evaluated 2026-02-02.

Conditions:
SUCO-related disorder. Also called: SUCO-related condition.

Submissions (2):

Labcorp Genetics (formerly Invitae), Labcorp
Classification: Likely benign. Last evaluated: 2026-02-02. Review status: criteria provided, single submitter. Criteria: Invitae Variant Classification Sherloc (09022015). Collection method: clinical testing. Allele origin: germline.

PreventionGenetics, part of Exact Sciences
Classification: Likely benign for SUCO-related condition. Last evaluated: 2025-09-14. Review status: criteria provided, single submitter. Criteria: ACMG Guidelines, 2015. Collection method: clinical testing. Allele origin: germline.
Comment: This variant is classified as likely benign based on ACMG/AMP sequence variant interpretation guidelines (Richards et al. 2015 PMID: 25741868, with internal and published modifications).

NM_014283.5(SUCO):c.2599GAA[2] (p.Glu869del)

Gene: SUCO (SUN domain containing ossification factor; plus strand). Cytogenetic location: 1q24.3.
Variant type: Microsatellite.
Coding change: c.2599GAA[2] on transcript NM_014283.5 (MANE Select); two copies in a row of the 3-base unit GAA starting at c.2599; the reference has three copies in a row; one copy, 3 bases deleted.
Protein change: p.Glu869del; deletes glutamic acid 869.
Molecular consequence: inframe deletion. On other transcripts: intron variant (1).
Genome position (GRCh38, 1-based): chr1:172,589,706-172,589,708, GAA deleted; deleting any 3 consecutive bases within chr1:172,589,698-172,589,708 gives the same sequence; the position shown is the placement nearest the transcript's 3' end. VCF-style (leftmost placement, unchanged base first): chr1-172589697-AAAG-A. GRCh37 (hg19) VCF-style: chr1-172558837-AAAG-A.
Other names: c.3058_3060delGAA (NM_016227.3); c.910GAA[2], p.Glu306del (NM_001282751.2); c.3052GAA[2], p.Glu1020del (NM_016227.4); c.1712+774AAG[2] (NM_001282750.2); short protein forms E1020del, E306del, E869del.
Identifiers: ClinVar variation 1622614 (VCV001622614.9), dbSNP rs746662495, ClinGen allele CA1247110.
Genomic context (GRCh38, chr1:172,589,697, plus strand): 5'-GCTGACACAGCAAAGCAAACTTTGATTTCTGTTGTGGATTCTTCTTCATTACCTGAAGTA[AAAG>A]AAGAAGAACAGTCTCCAGAAGATGCCCTTTTGAGAGGGTTACAGAGGACAGCTACAGATT-3'